The following is an entry in ClinVar:

ClinVar aggregate classification (germline): Uncertain significance (1 of 4 stars; one submission).

Conditions:
Ataxia-telangiectasia syndrome (AT). Also called: LOUIS-BAR SYNDROME; Cerebello-oculocutaneous telangiectasia; Immunodeficiency with ataxia telangiectasia; Ataxia-telangiectasia, complementation group D; AT, COMPLEMENTATION GROUP C; Ataxia-telangiectasia, complementation group E. Identifiers: Orphanet 100, MedGen C0004135, MONDO:0008840, OMIM 208900.

Submission:

Labcorp Genetics (formerly Invitae), Labcorp
Classification: Uncertain significance for Ataxia-telangiectasia syndrome. Last evaluated: 2022-06-11. Review status: criteria provided, single submitter. Criteria: Invitae Variant Classification Sherloc (09022015). Collection method: clinical testing. Allele origin: germline.
Comment: In summary, the available evidence is currently insufficient to determine the role of this variant in disease. Therefore, it has been classified as a Variant of Uncertain Significance. Algorithms developed to predict the effect of missense changes on protein structure and function output the following: SIFT: "Tolerated"; PolyPhen-2: "Benign"; Align-GVGD: "Class C0". The isoleucine amino acid residue is found in multiple mammalian species, which suggests that this missense change does not adversely affect protein function. ClinVar contains an entry for this variant (Variation ID: 407608). This variant has not been reported in the literature in individuals affected with ATM-related conditions. This variant is not present in population databases (gnomAD no frequency). This sequence change replaces valine, which is neutral and non-polar, with isoleucine, which is neutral and non-polar, at codon 2696 of the ATM protein (p.Val2696Ile).

NM_000051.4(ATM):c.8086G>A (p.Val2696Ile)

Genes: C11orf65 (chromosome 11 open reading frame 65; minus strand), ATM (ATM serine/threonine kinase; plus strand). Cytogenetic location: 11q22.3.
Variant type: single nucleotide variant.
Coding change: c.8086G>A on transcript NM_000051.4 (MANE Select); coding-DNA position 8086, G replaced by A.
Protein change: p.Val2696Ile; replaces valine 2696 with isoleucine.
Molecular consequence: missense variant. On other transcripts: intron variant (2).
Genome position (GRCh38, 1-based): chr11:108,335,044, G>A. VCF-style: chr11-108335044-G-A. GRCh37 (hg19) VCF-style: chr11-108205771-G-A.
Other names: c.8086G>A, p.Val2696Ile (NM_001351834.2); c.641-25973C>T (NM_001330368.2); c.*38+176C>T (NM_001351110.2); short protein forms V2696I.
Identifiers: ClinVar variation 407608 (VCV000407608.47), dbSNP rs989577687, ClinGen allele CA16613495.